The following is an entry in ClinVar:

ClinVar aggregate classification (germline): Uncertain significance (1 of 4 stars; one submission).

Conditions:
Hypertrophic cardiomyopathy 26. Also called: Cardiomyopathy, familial hypertrophic, 26. Identifiers: Orphanet 75249, MedGen C4310749, MONDO:0014883, OMIM 617047.
Myofibrillar myopathy 5. Also called: Filaminopathy (type); FILAMINOPATHY, AUTOSOMAL DOMINANT. Identifiers: Orphanet 171445, MedGen C1836050, MONDO:0012289, OMIM 609524.
Distal myopathy with posterior leg and anterior hand involvement. Also called: WILLIAMS DISTAL MYOPATHY. Identifiers: Orphanet 63273, MedGen C3279722, MONDO:0013550, OMIM 614065.

Submission:

Labcorp Genetics (formerly Invitae), Labcorp
Classification: Uncertain significance for Distal myopathy with posterior leg and anterior hand involvement; Myofibrillar myopathy 5; Hypertrophic cardiomyopathy 26. Last evaluated: 2025-10-01. Review status: criteria provided, single submitter. Criteria: Invitae Variant Classification Sherloc (09022015). Collection method: clinical testing. Allele origin: germline.
Comment: This sequence change replaces valine, which is neutral and non-polar, with isoleucine, which is neutral and non-polar, at codon 1065 of the FLNC protein (p.Val1065Ile). This variant is not present in population databases (gnomAD no frequency). This variant has not been reported in the literature in individuals affected with FLNC-related conditions. An algorithm developed to predict the effect of missense changes on protein structure and function (PolyPhen-2) suggests that this variant is likely to be disruptive. In summary, the available evidence is currently insufficient to determine the role of this variant in disease. Therefore, it has been classified as a Variant of Uncertain Significance.

NM_001458.5(FLNC):c.3193G>A (p.Val1065Ile)

Gene: FLNC (filamin C; plus strand). Cytogenetic location: 7q32.1.
Variant type: single nucleotide variant.
Coding change: c.3193G>A on transcript NM_001458.5 (MANE Select); coding-DNA position 3193, G replaced by A.
Protein change: p.Val1065Ile; replaces valine 1065 with isoleucine.
Molecular consequence: missense variant.
Genome position (GRCh38, 1-based): chr7:128,844,658, G>A. VCF-style: chr7-128844658-G-A. GRCh37 (hg19) VCF-style: chr7-128484712-G-A.
Other names: c.3193G>A, p.Val1065Ile (NM_001127487.2); short protein forms V1065I.
Identifiers: ClinVar variation 4812534 (VCV004812534.1).
Genomic context (GRCh38, chr7:128,844,658, plus strand): 5'-CATGAAGGCTGGGATGAGGAGGCCAGGTGCAGGGAACCCACAACCTGCCTCTTCCCCTAG[G>A]TCTGTGCTTATGGCCCGGGTCTCAAGGGTGGACTGGTAGGCACCCCCGCGCCATTCTCCA-3'
Protein context (NP_001449.3, residues 1055-1075): EGVLPPDPSK[Val1065Ile]CAYGPGLKGG